The following is an entry in ClinVar:

ClinVar aggregate classification (germline): Uncertain significance (1 of 4 stars; one submission).

Conditions:
Hereditary pheochromocytoma and paraganglioma. Also called: Hereditary paragangliomas and pheochromocytomas; Hereditary Paraganglioma-Pheochromocytoma Syndromes; Hereditary pheochromocytoma-paraganglioma. Identifiers: Orphanet 29072, MedGen C4274332, MONDO:0017366.

Submission:

Labcorp Genetics (formerly Invitae), Labcorp
Classification: Uncertain significance for Hereditary pheochromocytoma and paraganglioma. Last evaluated: 2025-01-23. Review status: criteria provided, single submitter. Criteria: Invitae Variant Classification Sherloc (09022015). Collection method: clinical testing. Allele origin: germline.
Comment: This sequence change replaces glutamine, which is neutral and polar, with arginine, which is basic and polar, at codon 157 of the TMEM127 protein (p.Gln157Arg). This variant is not present in population databases (gnomAD no frequency). This variant has not been reported in the literature in individuals affected with TMEM127-related conditions. An algorithm developed to predict the effect of missense changes on protein structure and function (PolyPhen-2) suggests that this variant is likely to be tolerated. In summary, the available evidence is currently insufficient to determine the role of this variant in disease. Therefore, it has been classified as a Variant of Uncertain Significance.

NM_017849.4(TMEM127):c.470A>G (p.Gln157Arg)

Gene: TMEM127 (transmembrane protein 127; minus strand). Cytogenetic location: 2q11.2.
Variant type: single nucleotide variant.
Coding change: c.470A>G on transcript NM_017849.4 (MANE Select); coding-DNA position 470, A replaced by G.
Protein change: p.Gln157Arg; replaces glutamine 157 with arginine.
Molecular consequence: missense variant.
Genome position (GRCh38, 1-based): chr2:96,254,055, T>C on the plus strand (A>G on the coding strand, the complement: TMEM127 is on the minus strand). VCF-style: chr2-96254055-T-C. GRCh37 (hg19) VCF-style: chr2-96919793-T-C.
Other names: c.470A>G, p.Gln157Arg (NM_001193304.3); c.218A>G, p.Gln73Arg (NM_001407282.1, NM_001407283.1); short protein forms Q157R, Q73R.
Identifiers: ClinVar variation 3729180 (VCV003729180.2).